The following is an entry in ClinVar:

NM_020297.4(ABCC9):c.2715G>C (p.Glu905Asp)

Gene: ABCC9 (ATP binding cassette subfamily C member 9; minus strand). Cytogenetic location: 12p12.1.
Variant type: single nucleotide variant.
Coding change: c.2715G>C on transcript NM_020297.4 (MANE Select); coding-DNA position 2715, G replaced by C.
Protein change: p.Glu905Asp; replaces glutamic acid 905 with aspartic acid.
Molecular consequence: missense variant.
Genome position (GRCh38, 1-based): chr12:21,852,151, C>G on the plus strand (G>C on the coding strand, the complement: ABCC9 is on the minus strand). VCF-style: chr12-21852151-C-G. GRCh37 (hg19) VCF-style: chr12-22005085-C-G.
Other names: c.2715G>C, p.Glu905Asp (NM_001377273.1, NM_005691.4); c.1848G>C, p.Glu616Asp (NM_001377274.1); short protein forms E616D, E905D.
Identifiers: ClinVar variation 2002186 (VCV002002186.4), dbSNP rs2541134154, ClinGen allele CA384123765.

ClinVar aggregate classification (germline): Uncertain significance (1 of 4 stars; one submission).

Conditions:
Dilated cardiomyopathy 1O (CMD1O). Also called: CARDIOMYOPATHY, DILATED, WITH VENTRICULAR TACHYCARDIA. Identifiers: Orphanet 154, MedGen C1837839, MONDO:0012062, OMIM 608569.

gnomAD v4.1: 1 of 1,613,706 alleles (0.000062%); no homozygotes.

Submission:

Labcorp Genetics (formerly Invitae), Labcorp
Classification: Uncertain significance for Dilated cardiomyopathy 1O. Last evaluated: 2022-06-03. Review status: criteria provided, single submitter. Criteria: Invitae Variant Classification Sherloc (09022015). Collection method: clinical testing. Allele origin: germline.
Comment: In summary, the available evidence is currently insufficient to determine the role of this variant in disease. Therefore, it has been classified as a Variant of Uncertain Significance. Algorithms developed to predict the effect of missense changes on protein structure and function (SIFT, PolyPhen-2, Align-GVGD) all suggest that this variant is likely to be tolerated. This variant has not been reported in the literature in individuals affected with ABCC9-related conditions. This variant is not present in population databases (gnomAD no frequency). This sequence change replaces glutamic acid, which is acidic and polar, with aspartic acid, which is acidic and polar, at codon 905 of the ABCC9 protein (p.Glu905Asp).